The following is an entry in ClinVar:

ClinVar aggregate classification (germline): Conflicting classifications of pathogenicity. Review status: criteria provided, conflicting classifications (1 of 4 stars). 2 submissions from 2 submitters: Uncertain significance (1); Likely benign (1). Last evaluated 2025-06-13.

Conditions:
Long QT syndrome (LQTS). Identifiers: MedGen C0023976, MeSH D008133, MONDO:0002442. Disease mechanism: loss of function. Inheritance: Various modes of inheritance.
Cardiovascular phenotype. Identifiers: MedGen CN230736.

Allele frequency attached by ClinVar (database versions not stated): TOPMed 0.00002.
gnomAD v4.1: 8 of 1,613,452 alleles (0.0005%); highest among the groups gnomAD compares: Non-Finnish European, 0.00068%; no homozygotes.

Submissions (2):

Ambry Genetics
Classification: Likely benign for Cardiovascular phenotype. Last evaluated: 2025-06-13. Review status: criteria provided, single submitter. Criteria: Ambry Variant Classification Scheme 2023. Collection method: clinical testing. Allele origin: germline.

Labcorp Genetics (formerly Invitae), Labcorp
Classification: Uncertain significance for Long QT syndrome. Last evaluated: 2024-04-18. Review status: criteria provided, single submitter. Criteria: Invitae Variant Classification Sherloc (09022015). Collection method: clinical testing. Allele origin: germline.
Comment: This sequence change replaces glutamine, which is neutral and polar, with arginine, which is basic and polar, at codon 2101 of the AKAP9 protein (p.Gln2101Arg). This variant is present in population databases (no rsID available, gnomAD 0.002%). This variant has not been reported in the literature in individuals affected with AKAP9-related conditions. ClinVar contains an entry for this variant (Variation ID: 526982). An algorithm developed to predict the effect of missense changes on protein structure and function (PolyPhen-2) suggests that this variant is likely to be disruptive. In summary, the available evidence is currently insufficient to determine the role of this variant in disease. Therefore, it has been classified as a Variant of Uncertain Significance.

NM_005751.5(AKAP9):c.6302A>G (p.Gln2101Arg)

Gene: AKAP9 (A-kinase anchoring protein 9; plus strand). Cytogenetic location: 7q21.2.
Variant type: single nucleotide variant.
Coding change: c.6302A>G on transcript NM_005751.5 (MANE Select); coding-DNA position 6302, A replaced by G.
Protein change: p.Gln2101Arg; replaces glutamine 2101 with arginine.
Molecular consequence: missense variant.
Genome position (GRCh38, 1-based): chr7:92,066,518, A>G. VCF-style: chr7-92066518-A-G. GRCh37 (hg19) VCF-style: chr7-91695832-A-G.
Other names: c.947A>G, p.Gln316Arg (NM_001379277.1); c.6302A>G, p.Gln2101Arg (NM_147185.3); short protein forms Q2101R, Q316R.
Identifiers: ClinVar variation 526982 (VCV000526982.12), dbSNP rs201545032, ClinGen allele CA161915778.